The following is an entry in ClinVar:

NM_000135.4(FANCA):c.3594G>A (p.Gln1198=)

Gene: FANCA (FA complementation group A; minus strand). Cytogenetic location: 16q24.3.
Variant type: single nucleotide variant.
Coding change: c.3594G>A on transcript NM_000135.4 (MANE Select); coding-DNA position 3594, G replaced by A.
Protein change: p.Gln1198=; no amino-acid change (glutamine 1198 retained).
Molecular consequence: synonymous variant.
Genome position (GRCh38, 1-based): chr16:89,744,991, C>T on the plus strand (G>A on the coding strand, the complement: FANCA is on the minus strand). VCF-style: chr16-89744991-C-T. GRCh37 (hg19) VCF-style: chr16-89811399-C-T.
Other names: c.3594G>A (NM_000135.2); c.3594G>A, p.Gln1198= (NM_001286167.3).
Identifiers: ClinVar variation 1156232 (VCV001156232.18), dbSNP rs935013716, ClinGen allele CA497195183.

ClinVar aggregate classification (germline): Likely benign. Review status: criteria provided, multiple submitters, no conflicts (2 of 4 stars). 3 submissions from 3 submitters: Likely benign (3). Last evaluated 2025-09-22.

Conditions:
Fanconi anemia (FA). Also called: Fanconi's anemia. Identifiers: Orphanet 84, MedGen C0015625, MeSH D005199, MONDO:0019391.
Inborn genetic diseases. Identifiers: MedGen C0950123, MeSH D030342.

Allele frequency attached by ClinVar (database versions not stated): TOPMed below 0.00001; gnomAD exomes 0.00001.
gnomAD v4.1: 9 of 1,611,770 alleles (0.00056%); highest among the groups gnomAD compares: Non-Finnish European, 0.00076%; no homozygotes.

Submissions (3):

Labcorp Genetics (formerly Invitae), Labcorp
Classification: Likely benign for Fanconi anemia. Last evaluated: 2025-09-22. Review status: criteria provided, single submitter. Criteria: Invitae Variant Classification Sherloc (09022015). Collection method: clinical testing. Allele origin: germline.

CeGaT Center for Human Genetics Tuebingen
Classification: Likely benign. Last evaluated: 2025-08-01. Review status: criteria provided, single submitter. Criteria: CeGaT Center For Human Genetics Tuebingen Variant Classification Criteria Version 2. Collection method: clinical testing. Allele origin: germline. Affected: yes. Observed: 1 variant allele.
Comment: FANCA: BP4, BP7

Ambry Genetics
Classification: Likely benign for Inborn genetic diseases. Last evaluated: 2025-03-24. Review status: criteria provided, single submitter. Criteria: Ambry Variant Classification Scheme 2023. Collection method: clinical testing. Allele origin: germline.